The following is an entry in ClinVar:

ClinVar aggregate classification (germline): Uncertain significance (1 of 4 stars; one submission).

gnomAD v4.1: 3 of 1,612,558 alleles (0.00019%); highest among the groups gnomAD compares: Non-Finnish European, 0.00025%; no homozygotes.

Submission:

GeneDx
Classification: Uncertain significance. Last evaluated: 2024-04-30. Review status: criteria provided, single submitter. Criteria: GeneDx Variant Classification Process June 2021. Collection method: clinical testing. Allele origin: germline. Affected: yes.
Comment: Not observed at significant frequency in large population cohorts (gnomAD); In silico analysis indicates that this missense variant does not alter protein structure/function; Has not been previously published as pathogenic or benign to our knowledge

NM_170606.3(KMT2C):c.4790C>G (p.Ala1597Gly)

Gene: KMT2C (lysine methyltransferase 2C; minus strand). Cytogenetic location: 7q36.1.
Variant type: single nucleotide variant.
Coding change: c.4790C>G on transcript NM_170606.3 (MANE Select); coding-DNA position 4790, C replaced by G.
Protein change: p.Ala1597Gly; replaces alanine 1597 with glycine.
Molecular consequence: missense variant.
Genome position (GRCh38, 1-based): chr7:152,187,718, G>C on the plus strand (C>G on the coding strand, the complement: KMT2C is on the minus strand). VCF-style: chr7-152187718-G-C. GRCh37 (hg19) VCF-style: chr7-151884803-G-C.
Other names: short protein forms A1597G.
Identifiers: ClinVar variation 3373192 (VCV003373192.1).
Genomic context (GRCh38, chr7:152,187,718, plus strand): 5'-TATAAATCAAACAGAAATTAGTGCAATTTAAGTTTCCATAGAAAATAAGGCTTGTACCTG[G>C]CATCAGGATAAGAGGATTGTGCAATTGCAGAGAAAGTTCCCAGTCCGCTTCCAGGTGGCA-3'
Protein context (NP_733751.2, residues 1587-1607): SAIAQSSYPD[Ala1597Gly]RDKNSAFNPM